The following is an entry in ClinVar:

ClinVar aggregate classification (germline): Uncertain significance (1 of 4 stars; one submission).

Conditions:
Hereditary spastic paraplegia 39 (SPG39). Also called: Spastic Paraplegia Type 39 (SPG39); SPASTIC PARAPLEGIA 39, AUTOSOMAL RECESSIVE. Identifiers: Orphanet 139480, MedGen C2677586, MONDO:0012787, OMIM 612020.

Allele frequency attached by ClinVar (database versions not stated): gnomAD exomes below 0.00001; ExAC 0.00001; TOPMed 0.00001; ESP Exome Variant Server 0.00008.
gnomAD v4.1: 1 of 1,613,642 alleles (0.000062%); highest among the groups gnomAD compares: Non-Finnish European, 0.000085%; no homozygotes.

Submission:

Labcorp Genetics (formerly Invitae), Labcorp
Classification: Uncertain significance for Hereditary spastic paraplegia 39. Last evaluated: 2023-06-13. Review status: criteria provided, single submitter. Criteria: Invitae Variant Classification Sherloc (09022015). Collection method: clinical testing. Allele origin: germline.
Comment: This sequence change replaces tyrosine, which is neutral and polar, with cysteine, which is neutral and slightly polar, at codon 392 of the PNPLA6 protein (p.Tyr392Cys). In summary, the available evidence is currently insufficient to determine the role of this variant in disease. Therefore, it has been classified as a Variant of Uncertain Significance. Advanced modeling of protein sequence and biophysical properties (such as structural, functional, and spatial information, amino acid conservation, physicochemical variation, residue mobility, and thermodynamic stability) has been performed at Invitae for this missense variant, however the output from this modeling did not meet the statistical confidence thresholds required to predict the impact of this variant on PNPLA6 protein function. ClinVar contains an entry for this variant (Variation ID: 855736). This variant has not been reported in the literature in individuals affected with PNPLA6-related conditions. This variant is present in population databases (rs373050796, gnomAD 0.0009%).

NM_001166114.2(PNPLA6):c.1292A>G (p.Tyr431Cys)

Gene: PNPLA6 (patatin like domain 6, lysophospholipase; plus strand). Cytogenetic location: 19p13.2.
Variant type: single nucleotide variant.
Coding change: c.1292A>G on transcript NM_001166114.2 (MANE Select); coding-DNA position 1292, A replaced by G.
Protein change: p.Tyr431Cys; replaces tyrosine 431 with cysteine.
Molecular consequence: missense variant.
Genome position (GRCh38, 1-based): chr19:7,542,600, A>G. VCF-style: chr19-7542600-A-G. GRCh37 (hg19) VCF-style: chr19-7607486-A-G.
Other names: c.1319A>G, p.Tyr440Cys (NM_001166111.2); c.1175A>G, p.Tyr392Cys (NM_001166112.2, NM_001166113.1, NM_006702.5); short protein forms Y392C, Y431C, Y440C.
Identifiers: ClinVar variation 855736 (VCV000855736.9), dbSNP rs373050796, ClinGen allele CA9139757.